The following is an entry in ClinVar:

ClinVar aggregate classification (germline): Uncertain significance. Review status: criteria provided, multiple submitters, no conflicts (2 of 4 stars). 2 submissions from 2 submitters: Uncertain significance (2). Last evaluated 2024-01-08.

Allele frequency attached by ClinVar (database versions not stated): TOPMed 0.00001; ExAC 0.00002; gnomAD 0.00002; gnomAD exomes 0.00002 and 0.00003.
gnomAD v4.1: 47 of 1,614,098 alleles (0.0029%); highest among the groups gnomAD compares: Middle Eastern, 0.016%; no homozygotes.

Submissions (2):

Labcorp Genetics (formerly Invitae), Labcorp
Classification: Uncertain significance. Last evaluated: 2024-01-08. Review status: criteria provided, single submitter. Criteria: Invitae Variant Classification Sherloc (09022015). Collection method: clinical testing. Allele origin: germline.
Comment: This sequence change replaces arginine, which is basic and polar, with cysteine, which is neutral and slightly polar, at codon 490 of the SNRNP200 protein (p.Arg490Cys). This variant is present in population databases (rs761238930, gnomAD 0.003%). This variant has not been reported in the literature in individuals affected with SNRNP200-related conditions. ClinVar contains an entry for this variant (Variation ID: 1006549). Advanced modeling of protein sequence and biophysical properties (such as structural, functional, and spatial information, amino acid conservation, physicochemical variation, residue mobility, and thermodynamic stability) performed at Invitae indicates that this missense variant is not expected to disrupt SNRNP200 protein function with a negative predictive value of 80%. In summary, the available evidence is currently insufficient to determine the role of this variant in disease. Therefore, it has been classified as a Variant of Uncertain Significance.

Blueprint Genetics
Classification: Uncertain significance. Last evaluated: 2021-11-24. Review status: criteria provided, single submitter. Criteria: ACMG Guidelines, 2015. Collection method: clinical testing. Allele origin: germline.

NM_014014.5(SNRNP200):c.1468C>T (p.Arg490Cys)

Gene: SNRNP200 (small nuclear ribonucleoprotein U5 subunit 200; minus strand). Cytogenetic location: 2q11.2.
Variant type: single nucleotide variant.
Coding change: c.1468C>T on transcript NM_014014.5 (MANE Select); coding-DNA position 1468, C replaced by T.
Protein change: p.Arg490Cys; replaces arginine 490 with cysteine.
Molecular consequence: missense variant.
Genome position (GRCh38, 1-based): chr2:96,296,980, G>A on the plus strand (C>T on the coding strand, the complement: SNRNP200 is on the minus strand). VCF-style: chr2-96296980-G-A. GRCh37 (hg19) VCF-style: chr2-96962718-G-A.
Other names: short protein forms R490C.
Identifiers: ClinVar variation 1006549 (VCV001006549.9), dbSNP rs761238930, ClinGen allele CA1778930.